The following is an entry in ClinVar:

ClinVar aggregate classification (germline): Likely benign. Review status: criteria provided, multiple submitters, no conflicts (2 of 4 stars). 2 submissions from 2 submitters: Likely benign (2). Last evaluated 2018-06-16.

Allele frequency attached by ClinVar (database versions not stated): gnomAD 0.00942 and 0.01204; TOPMed 0.01306; 1000 Genomes Project 30x 0.04685; 1000 Genomes Project 0.04972.
gnomAD v4.1: 12,863 of 1,556,130 alleles (0.83%); highest among the groups gnomAD compares: East Asian, 17%; 703 homozygotes.

Submissions (2):

GeneDx
Classification: Likely benign. Last evaluated: 2018-06-16. Review status: criteria provided, single submitter. Criteria: GeneDx Variant Classification (06012015). Collection method: clinical testing. Allele origin: germline. Affected: yes.
Comment: This variant is considered likely benign or benign based on one or more of the following criteria: it is a conservative change, it occurs at a poorly conserved position in the protein, it is predicted to be benign by multiple in silico algorithms, and/or has population frequency not consistent with disease.

Breakthrough Genomics
Classification: Likely benign. Review status: criteria provided, single submitter. Criteria: ACMG Guidelines, 2015. Collection method: not provided. Allele origin: germline. Inheritance: Autosomal dominant inheritance. Affected: yes.

NM_001276345.2(TNNT2):c.489+57G>C

Gene: TNNT2 (troponin T2, cardiac type; minus strand). Cytogenetic location: 1q32.1.
Variant type: single nucleotide variant.
Coding change: c.489+57G>C on transcript NM_001276345.2 (MANE Select); 57 bases into the intron after coding-DNA position 489, G replaced by C.
Molecular consequence: intron variant.
Genome position (GRCh38, 1-based): chr1:201,364,241, C>G on the plus strand (G>C on the coding strand, the complement: TNNT2 is on the minus strand). VCF-style: chr1-201364241-C-G. GRCh37 (hg19) VCF-style: chr1-201333369-C-G.
Other names: c.444+57G>C (NM_001001432.3); c.459+57G>C (NM_001001431.3, NM_001001430.3, NM_001276347.2); c.369+57G>C (NM_001276346.2); c.489+57G>C (NM_000364.4).
Identifiers: ClinVar variation 674186 (VCV000674186.2), dbSNP rs45527945, ClinGen allele CA35422375.